The following is an entry in ClinVar:

NM_001042424.3(NSD2):c.2414T>C (p.Val805Ala)

Gene: NSD2 (nuclear receptor binding SET domain protein 2; plus strand). Cytogenetic location: 4p16.3.
Variant type: single nucleotide variant.
Coding change: c.2414T>C on transcript NM_001042424.3 (MANE Select); coding-DNA position 2414, T replaced by C.
Protein change: p.Val805Ala; replaces valine 805 with alanine.
Molecular consequence: missense variant.
Genome position (GRCh38, 1-based): chr4:1,955,236, T>C. VCF-style: chr4-1955236-T-C. GRCh37 (hg19) VCF-style: chr4-1956963-T-C.
Other names: c.2414T>C, p.Val805Ala (NM_133330.3, NM_133331.3, NM_133335.4); short protein forms V805A.
Identifiers: ClinVar variation 2196053 (VCV002196053.6), dbSNP rs144335923, ClinGen allele CA2812466.
Genomic context (GRCh38, chr4:1,955,236, plus strand): 5'-GTGTCCGCTGCCCCGTTGCCTATCACAGCGGGGATGCTTGTCTGGCAGCAGGATGCTCAG[T>C]GATCGCCTCCAACAGCATCATCTGCACTGCCCACTTCACTGCTCGGAAGGGGAAGCGACA-3'
Protein context (NP_001035889.1, residues 795-815): GDACLAAGCS[Val805Ala]IASNSIICTA

ClinVar aggregate classification (germline): Conflicting classifications of pathogenicity. Review status: criteria provided, conflicting classifications (1 of 4 stars). 3 submissions from 3 submitters: Uncertain significance (1); Likely benign (2). Last evaluated 2025-12-03.

Conditions:
Inborn genetic diseases. Identifiers: MedGen C0950123, MeSH D030342.

Allele frequency attached by ClinVar (database versions not stated): gnomAD 0.00013 and 0.00016; gnomAD exomes 0.00015; 1000 Genomes Project 30x 0.00016; ExAC 0.00016; TOPMed 0.00016 and 0.00018; 1000 Genomes Project 0.00020.
gnomAD v4.1: 249 of 1,614,158 alleles (0.015%); highest among the groups gnomAD compares: Middle Eastern, 0.033%; no homozygotes.

Submissions (3):

Labcorp Genetics (formerly Invitae), Labcorp
Classification: Likely benign. Last evaluated: 2025-12-03. Review status: criteria provided, single submitter. Criteria: Invitae Variant Classification Sherloc (09022015). Collection method: clinical testing. Allele origin: germline.

Ambry Genetics
Classification: Likely benign for Inborn genetic diseases. Last evaluated: 2022-11-08. Review status: criteria provided, single submitter. Criteria: Ambry Variant Classification Scheme 2023. Collection method: clinical testing. Allele origin: germline.

Institute for Clinical Genetics, University Hospital TU Dresden, University Hospital TU Dresden
Classification: Uncertain significance. Last evaluated: 2022-10-27. Review status: criteria provided, single submitter. Criteria: ACMG Guidelines, 2015. Collection method: clinical testing. Allele origin: germline.
Comment: PP3, PP2